The following is an entry in ClinVar:

NM_001042492.3(NF1):c.806del (p.Leu269fs)

Gene: NF1 (neurofibromin 1; plus strand). Cytogenetic location: 17q11.2.
Variant type: Deletion.
Coding change: c.806del on transcript NM_001042492.3 (MANE Select); coding-DNA position 806, one base deleted (T; older notation c.806delT).
Protein change: p.Leu269fs; shifts the reading frame from leucine 269.
Molecular consequence: frameshift variant.
Genome position (GRCh38, 1-based): chr17:31,182,583, T deleted. VCF-style (leftmost placement, unchanged base first): chr17-31182582-CT-C. GRCh37 (hg19) VCF-style: chr17-29509600-CT-C.
Other names: c.806del, p.Leu269fs (NM_000267.4, NM_001128147.3); short protein forms L269fs.
Identifiers: ClinVar variation 4731453 (VCV004731453.1).

ClinVar aggregate classification (germline): Pathogenic (1 of 4 stars; one submission).

Conditions:
Neurofibromatosis, type 1 (NF1). Also called: VON RECKLINGHAUSEN DISEASE; Peripheral type neurofibromatosis; NEUROFIBROMATOSIS, TYPE I, SOMATIC; Neurofibromatosis, type I. Identifiers: Orphanet 636, MedGen C0027831, MONDO:0018975, OMIM 162200. Disease mechanism: loss of function.

Submission:

Labcorp Genetics (formerly Invitae), Labcorp
Classification: Pathogenic for Neurofibromatosis, type 1. Last evaluated: 2025-11-18. Review status: criteria provided, single submitter. Criteria: Invitae Variant Classification Sherloc (09022015). Collection method: clinical testing. Allele origin: germline.
Comment: This sequence change creates a premature translational stop signal (p.Leu269Hisfs*12) in the NF1 gene. It is expected to result in an absent or disrupted protein product. Loss-of-function variants in NF1 are known to be pathogenic (PMID: 10712197, 23913538). This variant is not present in population databases (gnomAD no frequency). This variant has not been reported in the literature in individuals affected with NF1-related conditions. For these reasons, this variant has been classified as Pathogenic.

Literature cited by the submitters: PubMed 10712197; PubMed 23913538.